The following is an entry in ClinVar:

ClinVar aggregate classification (germline): Uncertain significance (1 of 4 stars; one submission).

Submission:

Ambry Genetics
Classification: Uncertain significance. Last evaluated: 2023-12-24. Review status: criteria provided, single submitter. Criteria: Ambry Variant Classification Scheme 2023. Collection method: clinical testing. Allele origin: germline.
Comment: The p.E22Q variant (also known as c.64G>C), located in coding exon 1 of the EGLN1 gene, results from a G to C substitution at nucleotide position 64. The glutamic acid at codon 22 is replaced by glutamine, an amino acid with highly similar properties. This amino acid position is conserved. In addition, this alteration is predicted to be tolerated by in silico analysis. Since supporting evidence is limited at this time, the clinical significance of this alteration remains unclear.

NM_022051.3(EGLN1):c.64G>C (p.Glu22Gln)

Gene: EGLN1 (egl-9 family hypoxia inducible factor 1; minus strand). Cytogenetic location: 1q42.2.
Variant type: single nucleotide variant.
Coding change: c.64G>C on transcript NM_022051.3 (MANE Select); coding-DNA position 64, G replaced by C.
Protein change: p.Glu22Gln; replaces glutamic acid 22 with glutamine.
Molecular consequence: missense variant.
Genome position (GRCh38, 1-based): chr1:231,421,825, C>G on the plus strand (G>C on the coding strand, the complement: EGLN1 is on the minus strand). VCF-style: chr1-231421825-C-G. GRCh37 (hg19) VCF-style: chr1-231557571-C-G.
Other names: c.64G>C, p.Glu22Gln (NM_001377260.1, NM_001377261.1); short protein forms E22Q.
Identifiers: ClinVar variation 3227733 (VCV003227733.1), dbSNP rs2527362189, ClinGen allele CA345239235.
Genomic context (GRCh38, chr1:231,421,825, plus strand): 5'-AGTAGAAGGAGCTGCGGCAGCGGCTGCAGCGCAGCAGGTTCTCCATCTTCCCGCACAGCT[C>G]GCAGTACTGCCGGTCTCGCTCGCTCGGGCTCGGCCCGCCGGGCCCGCCGCTGTCATTGGC-3'
Protein context (NP_071334.1, residues 12-32): SPSERDRQYC[Glu22Gln]LCGKMENLLR